The following is an entry in ClinVar:

ClinVar aggregate classification (germline): Pathogenic (1 of 4 stars; one submission).

Conditions:
Retinoblastoma (RB1). Also called: RETINOBLASTOMA, SOMATIC. Identifiers: Orphanet 790, MedGen C0035335, MeSH D012175, MONDO:0008380, OMIM 180200, HP:0009919. Disease mechanism: loss of function. Inheritance: Both sporadic and heritable forms are tested..

Submission:

Genetic Diagnostic Laboratory, University of Pennsylvania School of Medicine
Classification: Pathogenic for Retinoblastoma. Last evaluated: 2024-05-20. Review status: criteria provided, single submitter. Criteria: ACMG Guidelines, 2015. Collection method: clinical testing. Allele origin: germline. Affected: yes. Observed: 1 variant allele.
Comment: Case and Pedigree Information: BILATERAL CASES:1, UNILATERAL CASES:0, TOTAL CASES:1, PEDIGREES:1. ACMG Codes Applied:PVS1, PM2

NM_000321.3(RB1):c.341C>A (p.Ser114Ter)

Gene: RB1 (RB transcriptional corepressor 1; plus strand). Cytogenetic location: 13q14.2.
Variant type: single nucleotide variant.
Coding change: c.341C>A on transcript NM_000321.3 (MANE Select); coding-DNA position 341, C replaced by A.
Protein change: p.Ser114Ter; replaces serine 114 with a stop codon.
Molecular consequence: nonsense.
Genome position (GRCh38, 1-based): chr13:48,342,675, C>A. VCF-style: chr13-48342675-C-A. GRCh37 (hg19) VCF-style: chr13-48916811-C-A.
Other names: c.341C>A, p.Ser114Ter (NM_001407165.1, NM_001407166.1); short protein forms S114*.
Identifiers: ClinVar variation 3237125 (VCV003237125.1), dbSNP rs139673557.